The following is an entry in ClinVar:

NM_007294.4(BRCA1):c.2354T>C (p.Leu785Ser)

Gene: BRCA1 (BRCA1 DNA repair associated; minus strand). Cytogenetic location: 17q21.31.
Variant type: single nucleotide variant.
Coding change: c.2354T>C on transcript NM_007294.4 (MANE Select); coding-DNA position 2354, T replaced by C.
Protein change: p.Leu785Ser; replaces leucine 785 with serine.
Molecular consequence: missense variant. On other transcripts: intron variant (137).
Genome position (GRCh38, 1-based): chr17:43,093,177, A>G on the plus strand (T>C on the coding strand, the complement: BRCA1 is on the minus strand). VCF-style: chr17-43093177-A-G. GRCh37 (hg19) VCF-style: chr17-41245194-A-G.
Other names: c.2213T>C, p.Leu738Ser (NM_001407724.1, NM_001407726.1, NM_001407725.1 and 29 more transcripts); c.523+1567T>C (NM_001408500.1, NM_001408497.1, NM_001408498.1 and 3 more transcripts); c.646+1567T>C (NM_001408466.1, NM_001408452.1, NM_001408457.1 and 11 more transcripts); c.787+1567T>C (NM_001407973.1, NM_001407980.1, NM_001407993.1 and 17 more transcripts); c.461-2145T>C (NM_001408507.1, NM_001408506.1); c.545-2145T>C (NM_001408495.1); c.668-2145T>C (NM_001408421.1, NM_001408431.1, NM_001408424.1); c.404-2145T>C (NM_001408511.1); and 41 more; short protein forms L489S, L617S, L696S, L697S, L714S, L715S, L737S, L744S.
Identifiers: ClinVar variation 2706734 (VCV002706734.4), dbSNP rs397508961, ClinGen allele CA10597301.

ClinVar aggregate classification (germline): Uncertain significance. Review status: criteria provided, multiple submitters, no conflicts (2 of 4 stars). 2 submissions from 2 submitters: Uncertain significance (2). Last evaluated 2025-02-22.

Conditions:
Hereditary breast ovarian cancer syndrome. Also called: Hereditary breast and/or ovarian cancer syndrome; Hereditary breast and ovarian cancer syndrome (HBOC); Breast and ovarian cancer; Hereditary breast and ovarian cancer syndrome; Hereditary breast and ovarian cancer; BRCA1- and BRCA2-Associated Hereditary Breast and Ovarian Cancer. Identifiers: Orphanet 145, MedGen C0677776, MeSH D061325, MONDO:0003582. Disease mechanism: loss of function.
Hereditary cancer-predisposing syndrome. Also called: Hereditary neoplastic syndrome; Neoplastic Syndromes, Hereditary; Hereditary Cancer Syndrome; Tumor predisposition. Identifiers: Orphanet 140162, MedGen C0027672, MeSH D009386, MONDO:0015356.

Submissions (2):

Ambry Genetics
Classification: Uncertain significance for Hereditary cancer-predisposing syndrome. Last evaluated: 2025-02-22. Review status: criteria provided, single submitter. Criteria: Ambry Variant Classification Scheme 2023. Collection method: clinical testing. Allele origin: germline.
Comment: The p.L785S variant (also known as c.2354T>C), located in coding exon 9 of the BRCA1 gene, results from a T to C substitution at nucleotide position 2354. The leucine at codon 785 is replaced by serine, an amino acid with dissimilar properties. This amino acid position is highly conserved in available vertebrate species. In addition, this alteration is predicted to be deleterious by in silico analysis. Based on the available evidence, the clinical significance of this variant remains unclear.

Labcorp Genetics (formerly Invitae), Labcorp
Classification: Uncertain significance for Hereditary breast ovarian cancer syndrome. Last evaluated: 2023-12-31. Review status: criteria provided, single submitter. Criteria: Invitae Variant Classification Sherloc (09022015). Collection method: clinical testing. Allele origin: germline.
Comment: This sequence change replaces leucine, which is neutral and non-polar, with serine, which is neutral and polar, at codon 785 of the BRCA1 protein (p.Leu785Ser). This variant is not present in population databases (gnomAD no frequency). This variant has not been reported in the literature in individuals affected with BRCA1-related conditions. Advanced modeling of protein sequence and biophysical properties (such as structural, functional, and spatial information, amino acid conservation, physicochemical variation, residue mobility, and thermodynamic stability) performed at Invitae indicates that this missense variant is not expected to disrupt BRCA1 protein function with a negative predictive value of 95%. In summary, the available evidence is currently insufficient to determine the role of this variant in disease. Therefore, it has been classified as a Variant of Uncertain Significance.